The following is an entry in ClinVar:

NM_001039141.3(TRIOBP):c.4621G>A (p.Ala1541Thr)

Gene: TRIOBP (TRIO and F-actin binding protein; plus strand). Cytogenetic location: 22q13.1.
Variant type: single nucleotide variant.
Coding change: c.4621G>A on transcript NM_001039141.3 (MANE Select); coding-DNA position 4621, G replaced by A.
Protein change: p.Ala1541Thr; replaces alanine 1541 with threonine.
Molecular consequence: missense variant.
Genome position (GRCh38, 1-based): chr22:37,734,957, G>A. VCF-style: chr22-37734957-G-A. GRCh37 (hg19) VCF-style: chr22-38130964-G-A.
Other names: short protein forms A1541T.
Identifiers: ClinVar variation 179313 (VCV000179313.5), dbSNP rs727504784, ClinGen allele CA184178.
Genomic context (GRCh38, chr22:37,734,957, plus strand): 5'-GGCCCCGCAGAGTCCTCACAATCCTGGCACTCTGGGACACCCACTGCTGTGGGCTGGGGG[G>A]CAGAGGGAGCGTGTCCATACCCGCGTGGCTCTGAGAGGCGACCCGAGCTTGACTGGAGGG-3'
Protein context (NP_001034230.1, residues 1531-1551): SGTPTAVGWG[Ala1541Thr]EGACPYPRGS

ClinVar aggregate classification (germline): Likely benign (1 of 4 stars; one submission).

Submission:

Laboratory for Molecular Medicine, Mass General Brigham Personalized Medicine
Classification: Likely benign. Last evaluated: 2013-10-11. Review status: criteria provided, single submitter. Criteria: LMM Criteria. Collection method: clinical testing. Allele origin: germline. Observed: 1 variant allele.
Comment: Ala1541Thr in exon 9 of TRIOBP: This variant is not expected to have clinical si gnificance because the alanine (Ala) residue at position 1451 is not conserved a cross species with cow, microbat, and megabat having a threonine (Thr) at this p osition.